The following is an entry in ClinVar:

ClinVar aggregate classification (germline): Uncertain significance. Review status: criteria provided, multiple submitters, no conflicts (2 of 4 stars). 3 submissions from 3 submitters: Uncertain significance (3). Last evaluated 2026-09-30.

Allele frequency attached by ClinVar (database versions not stated): gnomAD 0.00006 and 0.00005; ExAC 0.00001; gnomAD exomes 0.00006 and 0.00010; TOPMed 0.00012.
gnomAD v4.1: 153 of 1,614,028 alleles (0.0095%); highest among the groups gnomAD compares: Non-Finnish European, 0.013%; no homozygotes.

Submissions (3):

GeneDx
Classification: Uncertain significance. Last evaluated: 2026-09-30. Review status: criteria provided, single submitter. Criteria: GeneDx Variant Classification Process June 2021. Collection method: clinical testing. Allele origin: germline.
Comment: In silico analysis supports that this missense variant has a deleterious effect on protein structure/function; Has not been previously published as pathogenic or benign to our knowledge

Labcorp Genetics (formerly Invitae), Labcorp
Classification: Uncertain significance. Last evaluated: 2025-09-30. Review status: criteria provided, single submitter. Criteria: Invitae Variant Classification Sherloc (09022015). Collection method: clinical testing. Allele origin: germline.
Comment: This sequence change replaces glycine, which is neutral and non-polar, with aspartic acid, which is acidic and polar, at codon 835 of the DUOX2 protein (p.Gly835Asp). This variant is present in population databases (rs772637424, gnomAD 0.01%). This variant has not been reported in the literature in individuals affected with DUOX2-related conditions. ClinVar contains an entry for this variant (Variation ID: 393117). Invitae Evidence Modeling of protein sequence and biophysical properties (such as structural, functional, and spatial information, amino acid conservation, physicochemical variation, residue mobility, and thermodynamic stability) indicates that this missense variant is not expected to disrupt DUOX2 protein function with a negative predictive value of 80%. In summary, the available evidence is currently insufficient to determine the role of this variant in disease. Therefore, it has been classified as a Variant of Uncertain Significance.

Women's Health and Genetics/Laboratory Corporation of America, LabCorp
Classification: Uncertain significance. Last evaluated: 2024-09-24. Review status: criteria provided, single submitter. Criteria: LabCorp Variant Classification Summary - May 2015. Collection method: clinical testing. Allele origin: germline.
Comment: Variant summary: DUOX2 c.2504G>A (p.Gly835Asp) results in a non-conservative amino acid change located in the EF-hand domain (IPR002048) of the encoded protein sequence. Three of five in-silico tools predict a damaging effect of the variant on protein function. The variant allele was found at a frequency of 6e-05 in 251310 control chromosomes. This frequency is not significantly higher than estimated for a pathogenic variant in DUOX2 causing Thyroid Dyshormonogenesis 6, allowing no conclusion about variant significance. To our knowledge, no occurrence of c.2504G>A in individuals affected with Thyroid Dyshormonogenesis 6 and no experimental evidence demonstrating its impact on protein function have been reported. ClinVar contains an entry for this variant (Variation ID: 393117). Based on the evidence outlined above, the variant was classified as uncertain significance.

NM_001363711.2(DUOX2):c.2504G>A (p.Gly835Asp)

Gene: DUOX2 (dual oxidase 2; minus strand). Cytogenetic location: 15q21.1.
Variant type: single nucleotide variant.
Coding change: c.2504G>A on transcript NM_001363711.2 (MANE Select); coding-DNA position 2504, G replaced by A.
Protein change: p.Gly835Asp; replaces glycine 835 with aspartic acid.
Molecular consequence: missense variant.
Genome position (GRCh38, 1-based): chr15:45,104,196, C>T on the plus strand (G>A on the coding strand, the complement: DUOX2 is on the minus strand). VCF-style: chr15-45104196-C-T. GRCh37 (hg19) VCF-style: chr15-45396394-C-T.
Other names: c.2504G>A, p.Gly835Asp (NM_014080.5); short protein forms G835D.
Identifiers: ClinVar variation 393117 (VCV000393117.8), dbSNP rs772637424, ClinGen allele CA7538242.